The following is an entry in ClinVar:

ClinVar aggregate classification (germline): Uncertain significance. Review status: criteria provided, multiple submitters, no conflicts (2 of 4 stars). 2 submissions from 2 submitters: Uncertain significance (2). Last evaluated 2025-11-07.

Conditions:
Inborn genetic diseases. Identifiers: MedGen C0950123, MeSH D030342.
Pulmonary fibrosis and/or bone marrow failure, Telomere-related, 3. Also called: PULMONARY FIBROSIS AND/OR BONE MARROW FAILURE SYNDROME, TELOMERE-RELATED, 3. Identifiers: Orphanet 2032, MedGen C4225346, MONDO:0014613, OMIM 616373.
Dyskeratosis congenita, autosomal recessive 5 (DKCB5). Identifiers: MedGen C3554656, MONDO:0014076, OMIM 615190.

Submissions (2):

Ambry Genetics
Classification: Uncertain significance for Inborn genetic diseases. Last evaluated: 2025-11-07. Review status: criteria provided, single submitter. Criteria: Ambry Variant Classification Scheme 2023. Collection method: clinical testing. Allele origin: germline.
Comment: The p.L490P variant (also known as c.1469T>C), located in coding exon 16 of the RTEL1 gene, results from a T to C substitution at nucleotide position 1469. The leucine at codon 490 is replaced by proline, an amino acid with similar properties. This amino acid position is conserved. In addition, the in silico prediction for this alteration is inconclusive. Based on the available evidence, the clinical significance of this variant remains unclear.

Labcorp Genetics (formerly Invitae), Labcorp
Classification: Uncertain significance for Dyskeratosis congenita, autosomal recessive 5; Pulmonary fibrosis and/or bone marrow failure, Telomere-related, 3. Last evaluated: 2021-11-28. Review status: criteria provided, single submitter. Criteria: Invitae Variant Classification Sherloc (09022015). Collection method: clinical testing. Allele origin: germline.
Comment: This sequence change replaces leucine, which is neutral and non-polar, with proline, which is neutral and non-polar, at codon 490 of the RTEL1 protein (p.Leu490Pro). This variant is not present in population databases (gnomAD no frequency). This variant has not been reported in the literature in individuals affected with RTEL1-related conditions. Algorithms developed to predict the effect of missense changes on protein structure and function are either unavailable or do not agree on the potential impact of this missense change (SIFT: "Tolerated"; PolyPhen-2: "Possibly Damaging"; Align-GVGD: "Class C0"). In summary, the available evidence is currently insufficient to determine the role of this variant in disease. Therefore, it has been classified as a Variant of Uncertain Significance.

NM_001283009.2(RTEL1):c.1469T>C (p.Leu490Pro)

Genes: RTEL1 (regulator of telomere elongation helicase 1; plus strand), RTEL1-TNFRSF6B (RTEL1-TNFRSF6B readthrough (NMD candidate); plus strand). Cytogenetic location: 20q13.33.
Variant type: single nucleotide variant.
Coding change: c.1469T>C on transcript NM_001283009.2 (MANE Select); coding-DNA position 1469, T replaced by C.
Protein change: p.Leu490Pro; replaces leucine 490 with proline.
Molecular consequence: missense variant. On other transcripts: non-coding transcript variant (1).
Genome position (GRCh38, 1-based): chr20:63,687,758, T>C. VCF-style: chr20-63687758-T-C. GRCh37 (hg19) VCF-style: chr20-62319111-T-C.
Other names: c.800T>C, p.Leu267Pro (NM_001283010.1); c.1469T>C, p.Leu490Pro (NM_016434.4); c.1541T>C, p.Leu514Pro (NM_032957.5); short protein forms L267P, L514P, L490P.
Identifiers: ClinVar variation 1448898 (VCV001448898.4), dbSNP rs2145420008, ClinGen allele CA409676393.